The following is an entry in ClinVar:

NM_001384140.1(PCDH15):c.3890C>T (p.Ala1297Val)

Gene: PCDH15 (protocadherin related 15; minus strand). Cytogenetic location: 10q21.1.
Variant type: single nucleotide variant.
Coding change: c.3890C>T on transcript NM_001384140.1 (MANE Select); coding-DNA position 3890, C replaced by T.
Protein change: p.Ala1297Val; replaces alanine 1297 with valine.
Molecular consequence: missense variant.
Genome position (GRCh38, 1-based): chr10:53,840,413, G>A on the plus strand (C>T on the coding strand, the complement: PCDH15 is on the minus strand). VCF-style: chr10-53840413-G-A. GRCh37 (hg19) VCF-style: chr10-55600173-G-A.
Other names: c.3890C>T, p.Ala1297Val (NM_001354429.2, NM_033056.4, NM_001142764.2 and 4 more transcripts); c.3905C>T, p.Ala1302Val (NM_001142763.2, NM_001142771.2); c.3677C>T, p.Ala1226Val (NM_001142765.2); c.3779C>T, p.Ala1260Val (NM_001142767.2); c.3824C>T, p.Ala1275Val (NM_001142768.2, NM_001142773.2, NM_001354404.2); c.3926C>T, p.Ala1309Val (NM_001142769.4); c.3911C>T, p.Ala1304Val (NM_001354411.2); short protein forms A1226V, A1260V, A1275V, A1297V, A1302V, A1304V, A1309V.
Identifiers: ClinVar variation 3771619 (VCV003771619.13).

ClinVar aggregate classification (germline): Uncertain significance (1 of 4 stars; one submission).

gnomAD v4.1: 6 of 1,613,976 alleles (0.00037%); highest among the groups gnomAD compares: Admixed American, 0.0017%; no homozygotes.

Submission:

CeGaT Center for Human Genetics Tuebingen
Classification: Uncertain significance. Last evaluated: 2025-02-01. Review status: criteria provided, single submitter. Criteria: CeGaT Center For Human Genetics Tuebingen Variant Classification Criteria Version 2. Collection method: clinical testing. Allele origin: germline. Affected: yes. Observed: 1 variant allele.
Comment: PCDH15: PM2